The following is an entry in ClinVar:

ClinVar aggregate classification (germline): Uncertain significance. Review status: criteria provided, multiple submitters, no conflicts (2 of 4 stars). 2 submissions from 2 submitters: Uncertain significance (2). Last evaluated 2025-07-21.

Conditions:
Leber congenital amaurosis 1 (LCA1). Also called: Congenital absence of the rods and cones; Leber's congenital tapetoretinal degeneration; Leber's congenital tapetoretinal dysplasia; AMAUROSIS CONGENITA OF LEBER I; RETINAL BLINDNESS, CONGENITAL. Identifiers: Orphanet 65, MedGen C2931258, MONDO:0008764, OMIM 204000.
Cone-rod dystrophy 6 (CORD6). Also called: Cone dystrophy progressive; RETINAL CONE DYSTROPHY 2. Identifiers: Orphanet 1872, MedGen C1866293, MONDO:0011143, OMIM 601777.
GUCY2D-related disorder. Also called: GUCY2D-related condition.

Allele frequency attached by ClinVar (database versions not stated): TOPMed 0.00001; gnomAD exomes 0.00002.
gnomAD v4.1: 2 of 1,513,662 alleles (0.00013%); highest among the groups gnomAD compares: Admixed American, 0.0041%; no homozygotes.

Submissions (2):

PreventionGenetics, part of Exact Sciences
Classification: Uncertain significance for GUCY2D-related condition. Last evaluated: 2025-07-21. Review status: criteria provided, single submitter. Criteria: ACMG Guidelines, 2015. Collection method: clinical testing. Allele origin: germline.
Comment: The GUCY2D c.206C>G variant is predicted to result in the amino acid substitution p.Ser69Cys. To our knowledge, this variant has not been reported in the literature. This variant is reported in 0.0096% of alleles in individuals of Latino descent in gnomAD. At this time, the clinical significance of this variant is uncertain due to the absence of conclusive functional and genetic evidence.

Labcorp Genetics (formerly Invitae), Labcorp
Classification: Uncertain significance for Leber congenital amaurosis 1; Cone-rod dystrophy 6. Last evaluated: 2022-06-20. Review status: criteria provided, single submitter. Criteria: Invitae Variant Classification Sherloc (09022015). Collection method: clinical testing. Allele origin: germline.
Comment: This sequence change replaces serine, which is neutral and polar, with cysteine, which is neutral and slightly polar, at codon 69 of the GUCY2D protein (p.Ser69Cys). This variant is present in population databases (no rsID available, gnomAD 0.01%). This variant has not been reported in the literature in individuals affected with GUCY2D-related conditions. ClinVar contains an entry for this variant (Variation ID: 941716). Algorithms developed to predict the effect of missense changes on protein structure and function are either unavailable or do not agree on the potential impact of this missense change (SIFT: "Deleterious"; PolyPhen-2: "Possibly Damaging"; Align-GVGD: "Class C0"). In summary, the available evidence is currently insufficient to determine the role of this variant in disease. Therefore, it has been classified as a Variant of Uncertain Significance.

NM_000180.4(GUCY2D):c.206C>G (p.Ser69Cys)

Gene: GUCY2D (guanylate cyclase 2D, retinal; plus strand). Cytogenetic location: 17p13.1.
Variant type: single nucleotide variant.
Coding change: c.206C>G on transcript NM_000180.4 (MANE Select); coding-DNA position 206, C replaced by G.
Protein change: p.Ser69Cys; replaces serine 69 with cysteine.
Molecular consequence: missense variant.
Genome position (GRCh38, 1-based): chr17:8,003,253, C>G. VCF-style: chr17-8003253-C-G. GRCh37 (hg19) VCF-style: chr17-7906571-C-G.
Other names: short protein forms S69C.
Identifiers: ClinVar variation 941716 (VCV000941716.6), dbSNP rs1328542671, ClinGen allele CA397942963.